The following is an entry in ClinVar:

NM_015346.4(ZFYVE26):c.2699G>A (p.Arg900Gln)

Gene: ZFYVE26 (zinc finger FYVE-type containing 26; minus strand). Cytogenetic location: 14q24.1.
Variant type: single nucleotide variant.
Coding change: c.2699G>A on transcript NM_015346.4 (MANE Select); coding-DNA position 2699, G replaced by A.
Protein change: p.Arg900Gln; replaces arginine 900 with glutamine.
Molecular consequence: missense variant.
Genome position (GRCh38, 1-based): chr14:67,790,628, C>T on the plus strand (G>A on the coding strand, the complement: ZFYVE26 is on the minus strand). VCF-style: chr14-67790628-C-T. GRCh37 (hg19) VCF-style: chr14-68257345-C-T.
Other names: c.2699G>A (NM_015346.3); short protein forms R900Q.
Identifiers: ClinVar variation 2194605 (VCV002194605.2), dbSNP rs753557379, ClinGen allele CA7240199.
Genomic context (GRCh38, chr14:67,790,628, plus strand): 5'-TGACCTGCTGCTGCAGCGCTGCCAATGGCCTGTAGAGTTGAGCGGCCACTGCCAGTTCTC[C>T]GAATGGTGCTGCTACCCGCATCTGAGTTCTGGTTTTCAATCTTGTGCTCTACTTGGGCCA-3'
Protein context (NP_056161.2, residues 890-910): QNSDAGSSTI[Arg900Gln]RTGSGRSTLQ

ClinVar aggregate classification (germline): Uncertain significance. Review status: criteria provided, multiple submitters, no conflicts (2 of 4 stars). 2 submissions from 2 submitters: Uncertain significance (2). Last evaluated 2025-03-14.

Conditions:
Spastic paraplegia. Identifiers: MedGen C0037772, HP:0001258.

Allele frequency attached by ClinVar (database versions not stated): TOPMed below 0.00001; ExAC 0.00001; gnomAD exomes 0.00001.
gnomAD v4.1: 10 of 1,614,144 alleles (0.00062%); highest among the groups gnomAD compares: Admixed American, 0.0033%; no homozygotes.

Submissions (2):

GeneDx
Classification: Uncertain significance. Last evaluated: 2025-03-14. Review status: criteria provided, single submitter. Criteria: GeneDx Variant Classification Process June 2021. Collection method: clinical testing. Allele origin: germline. Affected: yes.
Comment: Not observed at significant frequency in large population cohorts (gnomAD); In silico analysis indicates that this missense variant does not alter protein structure/function; Has not been previously published as pathogenic or benign to our knowledge

Labcorp Genetics (formerly Invitae), Labcorp
Classification: Uncertain significance for Spastic paraplegia. Last evaluated: 2022-08-30. Review status: criteria provided, single submitter. Criteria: Invitae Variant Classification Sherloc (09022015). Collection method: clinical testing. Allele origin: germline.
Comment: This sequence change replaces arginine, which is basic and polar, with glutamine, which is neutral and polar, at codon 900 of the ZFYVE26 protein (p.Arg900Gln). This variant is present in population databases (rs753557379, gnomAD 0.006%). This variant has not been reported in the literature in individuals affected with ZFYVE26-related conditions. Algorithms developed to predict the effect of missense changes on protein structure and function are either unavailable or do not agree on the potential impact of this missense change (SIFT: "Tolerated"; PolyPhen-2: "Possibly Damaging"; Align-GVGD: "Class C0"). In summary, the available evidence is currently insufficient to determine the role of this variant in disease. Therefore, it has been classified as a Variant of Uncertain Significance.